The following is an entry in ClinVar:

NM_152424.4(AMER1):c.2971C>T (p.Gln991Ter)

Gene: AMER1 (APC membrane recruitment protein 1; minus strand). Cytogenetic location: Xq11.2.
Variant type: single nucleotide variant.
Coding change: c.2971C>T on transcript NM_152424.4 (MANE Select); coding-DNA position 2971, C replaced by T.
Protein change: p.Gln991Ter; replaces glutamine 991 with a stop codon.
Molecular consequence: nonsense.
Genome position (GRCh38, 1-based): chrX:64,190,316, G>A on the plus strand (C>T on the coding strand, the complement: AMER1 is on the minus strand). VCF-style: chrX-64190316-G-A. GRCh37 (hg19) VCF-style: chrX-63410196-G-A.
Other names: short protein forms Q991*.
Identifiers: ClinVar variation 3365004 (VCV003365004.1).

ClinVar aggregate classification (germline): Uncertain significance (1 of 4 stars; one submission).

Submission:

GeneDx
Classification: Uncertain significance. Last evaluated: 2023-11-28. Review status: criteria provided, single submitter. Criteria: GeneDx Variant Classification Process June 2021. Collection method: clinical testing. Allele origin: germline. Affected: yes.
Comment: Nonsense variant predicted to result in protein truncation as the last 145 amino acids are lost, although loss-of-function variants have not been reported downstream of this position in the protein; Has not been previously published as pathogenic or benign to our knowledge